The following is an entry in ClinVar:

NM_175914.5(HNF4A):c.1316C>T (p.Ser439Phe)

Gene: HNF4A (hepatocyte nuclear factor 4 alpha; plus strand). Cytogenetic location: 20q13.12.
Variant type: single nucleotide variant.
Coding change: c.1316C>T on transcript NM_175914.5 (MANE Select); coding-DNA position 1316, C replaced by T.
Protein change: p.Ser439Phe; replaces serine 439 with phenylalanine.
Molecular consequence: missense variant.
Genome position (GRCh38, 1-based): chr20:44,429,622, C>T. VCF-style: chr20-44429622-C-T. GRCh37 (hg19) VCF-style: chr20-43058262-C-T.
Other names: c.1382C>T, p.Ser461Phe (NM_000457.6); c.1286C>T, p.Ser429Phe (NM_001030003.3); c.1361C>T, p.Ser454Phe (NM_001258355.2); c.1277C>T, p.Ser426Phe (NM_001287182.2); c.1307C>T, p.Ser436Phe (NM_001287183.2); c.1352C>T, p.Ser451Phe (NM_178849.3); short protein forms S426F, S429F, S436F, S439F, S451F, S454F, S461F.
Identifiers: ClinVar variation 1807421 (VCV001807421.4), dbSNP rs764131853, ClinGen allele CA9870536.

ClinVar aggregate classification (germline): Uncertain significance. Review status: criteria provided, multiple submitters, no conflicts (2 of 4 stars). 2 submissions from 2 submitters: Uncertain significance (2). Last evaluated 2025-04-08.

Allele frequency attached by ClinVar (database versions not stated): ExAC 0.00001; gnomAD exomes 0.00001; TOPMed 0.00001.
gnomAD v4.1: 10 of 1,614,124 alleles (0.00062%); highest among the groups gnomAD compares: Non-Finnish European, 0.00068%; no homozygotes.

Submissions (2):

Labcorp Genetics (formerly Invitae), Labcorp
Classification: Uncertain significance. Last evaluated: 2025-04-08. Review status: criteria provided, single submitter. Criteria: Invitae Variant Classification Sherloc (09022015). Collection method: clinical testing. Allele origin: germline.
Comment: This sequence change replaces serine, which is neutral and polar, with phenylalanine, which is neutral and non-polar, at codon 439 of the HNF4A protein (p.Ser439Phe). This variant is present in population databases (rs764131853, gnomAD 0.01%). This variant has not been reported in the literature in individuals affected with HNF4A-related conditions. ClinVar contains an entry for this variant (Variation ID: 1807421). Invitae Evidence Modeling of protein sequence and biophysical properties (such as structural, functional, and spatial information, amino acid conservation, physicochemical variation, residue mobility, and thermodynamic stability) has been performed for this missense variant. However, the output from this modeling did not meet the statistical confidence thresholds required to predict the impact of this variant on HNF4A protein function. In summary, the available evidence is currently insufficient to determine the role of this variant in disease. Therefore, it has been classified as a Variant of Uncertain Significance.

Athena Diagnostics
Classification: Uncertain significance. Last evaluated: 2022-01-05. Review status: criteria provided, single submitter. Criteria: Athena Diagnostics Criteria. Collection method: clinical testing. Allele origin: unknown.